The following is an entry in ClinVar:

ClinVar aggregate classification (germline): Uncertain significance. Review status: criteria provided, multiple submitters, no conflicts (2 of 4 stars). 3 submissions from 3 submitters: Uncertain significance (3). Last evaluated 2025-02-26.

Conditions:
Cardiovascular phenotype. Identifiers: MedGen CN230736.
Hypertrophic cardiomyopathy. Also called: HYPERTROPHIC MYOCARDIOPATHY. Identifiers: Orphanet 217569, MedGen C0007194, MeSH D002312, MONDO:0005045, HP:0001639.

Allele frequency attached by ClinVar (database versions not stated): gnomAD 0.00002; gnomAD exomes 0.00002 and 0.00004; ExAC 0.00003; TOPMed 0.00003.
gnomAD v4.1: 65 of 1,613,628 alleles (0.004%); highest among the groups gnomAD compares: South Asian, 0.016%; 1 homozygote.

Submissions (3):

Labcorp Genetics (formerly Invitae), Labcorp
Classification: Uncertain significance for Hypertrophic cardiomyopathy. Last evaluated: 2025-02-26. Review status: criteria provided, single submitter. Criteria: Invitae Variant Classification Sherloc (09022015). Collection method: clinical testing. Allele origin: germline.
Comment: This sequence change replaces arginine, which is basic and polar, with glutamine, which is neutral and polar, at codon 230 of the MYOZ2 protein (p.Arg230Gln). This variant is present in population databases (rs727503332, gnomAD 0.01%). This variant has not been reported in the literature in individuals affected with MYOZ2-related conditions. ClinVar contains an entry for this variant (Variation ID: 164730). Invitae Evidence Modeling of protein sequence and biophysical properties (such as structural, functional, and spatial information, amino acid conservation, physicochemical variation, residue mobility, and thermodynamic stability) indicates that this missense variant is not expected to disrupt MYOZ2 protein function with a negative predictive value of 80%. In summary, the available evidence is currently insufficient to determine the role of this variant in disease. Therefore, it has been classified as a Variant of Uncertain Significance.

Ambry Genetics
Classification: Uncertain significance for Cardiovascular phenotype. Last evaluated: 2025-01-11. Review status: criteria provided, single submitter. Criteria: Ambry Variant Classification Scheme 2023. Collection method: clinical testing. Allele origin: germline.
Comment: The p.R230Q variant (also known as c.689G>A), located in coding exon 5 of the MYOZ2 gene, results from a G to A substitution at nucleotide position 689. The arginine at codon 230 is replaced by glutamine, an amino acid with highly similar properties. This amino acid position is conserved. In addition, the in silico prediction for this alteration is inconclusive. Based on the available evidence, the clinical significance of this variant remains unclear.

Laboratory for Molecular Medicine, Mass General Brigham Personalized Medicine
Classification: Uncertain significance. Last evaluated: 2013-08-11. Review status: criteria provided, single submitter. Criteria: LMM Criteria. Collection method: clinical testing. Allele origin: germline. Observed: 1 variant allele.
Comment: The Arg230Gln variant in MYOZ2 has not been reported in individuals with cardiom yopathy or in large population studies. Computational analyses (biochemical amin o acid properties, conservation, AlignGVGD, PolyPhen2, and SIFT) do not provide strong support for or against an impact to the protein. Additional studies are n eeded to fully assess the clinical significance of this variant.

NM_016599.5(MYOZ2):c.689G>A (p.Arg230Gln)

Gene: MYOZ2 (myozenin 2; plus strand). Cytogenetic location: 4q26.
Variant type: single nucleotide variant.
Coding change: c.689G>A on transcript NM_016599.5 (MANE Select); coding-DNA position 689, G replaced by A.
Protein change: p.Arg230Gln; replaces arginine 230 with glutamine.
Molecular consequence: missense variant.
Genome position (GRCh38, 1-based): chr4:119,186,094, G>A. VCF-style: chr4-119186094-G-A. GRCh37 (hg19) VCF-style: chr4-120107249-G-A.
Other names: short protein forms R230Q.
Identifiers: ClinVar variation 164730 (VCV000164730.11), dbSNP rs727503332, ClinGen allele CA177399.